The following is an entry in ClinVar:

ClinVar aggregate classification (germline): no classifications from unflagged records (0 of 4 stars; one submission).

Conditions:
Immunodeficiency 62. Identifiers: Orphanet 696942, MedGen C5193109, MONDO:0032763, OMIM 618459.

Allele frequency attached by ClinVar (database versions not stated): gnomAD exomes below 0.00001.
gnomAD v4.1: 2 of 1,614,060 alleles (0.00012%); highest among the groups gnomAD compares: East Asian, 0.0022%; no homozygotes.

Submission:

OMIM
Classification: Pathogenic for IMMUNODEFICIENCY 62 (1 family). Last evaluated: 2019-06-06. Review status: flagged submission. Collection method: literature only. Allele origin: germline.
ClinVar note: Notes: Flagging candidate with reason of insufficient supporting evidence. This gene has been classified as having a limited gene-disease relationship by a ClinGen Expert Panel.
ClinVar note: Reason: P/LP classification for a variant in a gene with insufficient evidence for a gene-disease relationship

Literature cited by the submitters: PubMed 30521495.

NM_004706.4(ARHGEF1):c.853C>T (p.Arg285Ter)

Gene: ARHGEF1 (Rho guanine nucleotide exchange factor 1; plus strand). Cytogenetic location: 19q13.2.
Variant type: single nucleotide variant.
Coding change: c.853C>T on transcript NM_004706.4 (MANE Select); coding-DNA position 853, C replaced by T.
Protein change: p.Arg285Ter; replaces arginine 285 with a stop codon.
Molecular consequence: nonsense.
Genome position (GRCh38, 1-based): chr19:41,894,637, C>T. VCF-style: chr19-41894637-C-T. GRCh37 (hg19) VCF-style: chr19-42398710-C-T.
Other names: c.754C>T, p.Arg252Ter (NM_198977.2); c.898C>T, p.Arg300Ter (NM_199002.2); short protein forms R300*, R252*, R285*.
Identifiers: ClinVar variation 633649 (VCV000633649.1), dbSNP rs1568815169, ClinGen allele CA406052995.
Genomic context (GRCh38, chr19:41,894,637, plus strand): 5'-TGTCTTCCCCAGCTGCTCCCACTCACTGTCTCATTCTCTCTCGTTTCAGTTCCAGATTTT[C>T]GACACCTCAAAGCAGAGGTTGATGGTAATGTACCTGTAGCCATAGCATCCATACTGGGGG-3'